The following is an entry in ClinVar:

ClinVar aggregate classification (germline): Uncertain significance (1 of 4 stars; one submission).

Allele frequency attached by ClinVar (database versions not stated): gnomAD 0.00001; gnomAD exomes 0.00009 and 0.00019; TOPMed 0.00011; ExAC 0.00027.
gnomAD v4.1: 58 of 1,612,436 alleles (0.0036%); highest among the groups gnomAD compares: Admixed American, 0.087%; no homozygotes.

Submission:

GeneDx
Classification: Uncertain significance. Last evaluated: 2022-02-17. Review status: criteria provided, single submitter. Criteria: GeneDx Variant Classification Process June 2021. Collection method: clinical testing. Allele origin: germline. Affected: yes.
Comment: In silico analysis supports that this missense variant has a deleterious effect on protein structure/function; Has not been previously published as pathogenic or benign to our knowledge

NM_015275.3(WASHC4):c.2236C>T (p.His746Tyr)

Gene: WASHC4 (WASH complex subunit 4; plus strand). Cytogenetic location: 12q23.3.
Variant type: single nucleotide variant.
Coding change: c.2236C>T on transcript NM_015275.3 (MANE Select); coding-DNA position 2236, C replaced by T.
Protein change: p.His746Tyr; replaces histidine 746 with tyrosine.
Molecular consequence: missense variant.
Genome position (GRCh38, 1-based): chr12:105,144,774, C>T. VCF-style: chr12-105144774-C-T. GRCh37 (hg19) VCF-style: chr12-105538552-C-T.
Other names: c.2239C>T, p.His747Tyr (NM_001293640.2); short protein forms H746Y, H747Y.
Identifiers: ClinVar variation 1702799 (VCV001702799.2), dbSNP rs758553648, ClinGen allele CA6758859.